The following is an entry in ClinVar:

ClinVar aggregate classification (germline): Uncertain significance (1 of 4 stars; one submission).

Conditions:
Hereditary cancer-predisposing syndrome. Also called: Neoplastic Syndromes, Hereditary; Tumor predisposition; Hereditary Cancer Syndrome; Hereditary neoplastic syndrome. Identifiers: Orphanet 140162, MedGen C0027672, MeSH D009386, MONDO:0015356.

Submission:

Ambry Genetics
Classification: Uncertain significance for Hereditary cancer-predisposing syndrome. Last evaluated: 2022-07-13. Review status: criteria provided, single submitter. Criteria: Ambry Variant Classification Scheme 2023. Collection method: clinical testing. Allele origin: germline.
Comment: Occurs near the 3' terminus of PTCH1 where no known functional domains are located. Truncating alterations in this region have been observed in individuals without PTCH1-associated disease (Ambry internal data). Based on insufficient or conflicting evidence, the clinical significance of this alteration remains unclear.

NM_000264.5(PTCH1):c.4096C>T (p.Gln1366Ter)

Gene: PTCH1 (patched 1; minus strand). Cytogenetic location: 9q22.32.
Variant type: single nucleotide variant.
Coding change: c.4096C>T on transcript NM_000264.5 (MANE Select); coding-DNA position 4096, C replaced by T.
Protein change: p.Gln1366Ter; replaces glutamine 1366 with a stop codon.
Molecular consequence: nonsense. On other transcripts: non-coding transcript variant (1).
Genome position (GRCh38, 1-based): chr9:95,447,160, G>A on the plus strand (C>T on the coding strand, the complement: PTCH1 is on the minus strand). VCF-style: chr9-95447160-G-A. GRCh37 (hg19) VCF-style: chr9-98209442-G-A.
Other names: c.3898C>T, p.Gln1300Ter (NM_001083602.3); c.4093C>T, p.Gln1365Ter (NM_001083603.3); c.3643C>T, p.Gln1215Ter (NM_001083604.3, NM_001083605.3, NM_001083606.3 and 1 more transcripts); c.3940C>T, p.Gln1314Ter (NM_001354918.2); short protein forms Q1300*, Q1365*, Q1215*, Q1314*, Q1366*.
Identifiers: ClinVar variation 2288950 (VCV002288950.2), dbSNP rs2136576593, ClinGen allele CA374110324.